The following is an entry in ClinVar:

ClinVar aggregate classification (germline): Likely benign. Review status: criteria provided, multiple submitters, no conflicts (2 of 4 stars). 4 submissions from 4 submitters: Likely benign (4). Last evaluated 2025-03-22.

Conditions:
Familial thoracic aortic aneurysm and aortic dissection (TAAD). Also called: Thoracic aortic aneurysms and dissections. Identifiers: Orphanet 91387, MedGen C4707243, MONDO:0019625.
Congenital contractural arachnodactyly (CCA). Also called: Beals-Hecht syndrome; Arthrogryposis, distal, type 9; BEALS SYNDROME. Identifiers: Orphanet 115, MedGen C0220668, MONDO:0007363, OMIM 121050.

Allele frequency attached by ClinVar (database versions not stated): gnomAD exomes 0.00001 and 0.00002; ExAC 0.00003; gnomAD 0.00004 and 0.00005; TOPMed 0.00007; 1000 Genomes Project 0.00020; 1000 Genomes Project 30x 0.00031.
gnomAD v4.1: 27 of 1,614,056 alleles (0.0017%); highest among the groups gnomAD compares: Middle Eastern, 0.082%; no homozygotes.

Submissions (4):

Labcorp Genetics (formerly Invitae), Labcorp
Classification: Likely benign for Congenital contractural arachnodactyly. Last evaluated: 2025-03-22. Review status: criteria provided, single submitter. Criteria: Invitae Variant Classification Sherloc (09022015). Collection method: clinical testing. Allele origin: germline.

CeGaT Center for Human Genetics Tuebingen
Classification: Likely benign. Last evaluated: 2025-02-01. Review status: criteria provided, single submitter. Criteria: CeGaT Center For Human Genetics Tuebingen Variant Classification Criteria Version 2. Collection method: clinical testing. Allele origin: germline. Affected: yes. Observed: 2 variant alleles.
Comment: FBN2: BP4, BP7

Ambry Genetics
Classification: Likely benign for Familial thoracic aortic aneurysm and aortic dissection. Last evaluated: 2023-03-24. Review status: criteria provided, single submitter. Criteria: Ambry Variant Classification Scheme 2023. Collection method: clinical testing. Allele origin: germline.

Blueprint Genetics
Classification: Likely benign. Last evaluated: 2023-03-09. Review status: criteria provided, single submitter. Criteria: ACMG Guidelines, 2015. Collection method: clinical testing. Allele origin: germline.

NM_001999.4(FBN2):c.1140G>A (p.Pro380=)

Gene: FBN2 (fibrillin 2; minus strand). Cytogenetic location: 5q23.3.
Variant type: single nucleotide variant.
Coding change: c.1140G>A on transcript NM_001999.4 (MANE Select); coding-DNA position 1140, G replaced by A.
Protein change: p.Pro380=; no amino-acid change (proline 380 retained).
Molecular consequence: synonymous variant.
Genome position (GRCh38, 1-based): chr5:128,395,213, C>T on the plus strand (G>A on the coding strand, the complement: FBN2 is on the minus strand). VCF-style: chr5-128395213-C-T. GRCh37 (hg19) VCF-style: chr5-127730906-C-T.
Other names: c.1140G>A (NM_001999.3).
Identifiers: ClinVar variation 425353 (VCV000425353.50), dbSNP rs532059159, ClinGen allele CA3395873.
Genomic context (GRCh38, chr5:128,395,213, plus strand): 5'-GGTTCCGATGCCCCAGCAGCGGCCAGGCTCACAGCAGCACTGCATTTTCGTCATTCTCCC[C>T]GGGAGCTCTTGTGCACAGCGGCCATTCACCAGGCCCGAGAAACACATGCCTGTTCTCTGA-3'
Protein context (NP_001990.2, residues 370-390): LVNGRCAQEL[Pro380=]GRMTKMQCCC